The following is an entry in ClinVar:

ClinVar aggregate classification (germline): Likely pathogenic (1 of 4 stars; one submission).

Conditions:
Peroxisome biogenesis disorder 1A (Zellweger) (PBD1A). Also called: Zellweger leukodystrophy; Peroxisome biogenesis disorder 1a. Identifiers: MedGen C4721541, MONDO:0008953, OMIM 214100.

Submission:

Wangler Lab, Baylor College of Medicine
Classification: Likely pathogenic for Peroxisome biogenesis disorder 1A (Zellweger). Last evaluated: 2023-02-10. Review status: criteria provided, single submitter. Criteria: ACMG Guidelines, 2015. Collection method: research. Allele origin: unknown. Inheritance: Autosomal recessive inheritance. Affected: yes.
Comment: This missense change (c.484C>A) in PEX1 was seen in trans with c.2528G>A (p.G843D) (PM3), a well known pathogenic change to PEX1. This variant is reported in an affected patient by Wangler et al. (PMID: 29419819). The c.484C>A change is predicted to be pathogenic by multiple computational models (PP3), and it is not seen in population databases of healthy individuals (PM2). We interpret this variant to be likely pathogenic.

Literature cited by the submitters: PubMed 29419819.

NM_000466.3(PEX1):c.484C>A (p.Pro162Thr)

Gene: PEX1 (peroxisomal biogenesis factor 1; minus strand). Cytogenetic location: 7q21.2.
Variant type: single nucleotide variant.
Coding change: c.484C>A on transcript NM_000466.3 (MANE Select); coding-DNA position 484, C replaced by A.
Protein change: p.Pro162Thr; replaces proline 162 with threonine.
Molecular consequence: missense variant. On other transcripts: 5 prime UTR variant (1).
Genome position (GRCh38, 1-based): chr7:92,518,031, G>T on the plus strand (C>A on the coding strand, the complement: PEX1 is on the minus strand). VCF-style: chr7-92518031-G-T. GRCh37 (hg19) VCF-style: chr7-92147345-G-T.
Other names: c.484C>A, p.Pro162Thr (NM_001282677.2); c.-141C>A (NM_001282678.2); short protein forms P162T.
Identifiers: ClinVar variation 2499623 (VCV002499623.1), dbSNP rs2116247732, ClinGen allele CA368201817.